The following is an entry in ClinVar:

NM_005045.4(RELN):c.5876A>G (p.Asp1959Gly)

Gene: RELN (reelin; minus strand). Cytogenetic location: 7q22.1.
Variant type: single nucleotide variant.
Coding change: c.5876A>G on transcript NM_005045.4 (MANE Select); coding-DNA position 5876, A replaced by G.
Protein change: p.Asp1959Gly; replaces aspartic acid 1959 with glycine.
Molecular consequence: missense variant.
Genome position (GRCh38, 1-based): chr7:103,553,753, T>C on the plus strand (A>G on the coding strand, the complement: RELN is on the minus strand). VCF-style: chr7-103553753-T-C. GRCh37 (hg19) VCF-style: chr7-103194200-T-C.
Other names: c.5876A>G, p.Asp1959Gly (NM_173054.3); short protein forms D1959G.
Identifiers: ClinVar variation 939394 (VCV000939394.9), dbSNP rs1830465679, ClinGen allele CA368739787.

ClinVar aggregate classification (germline): Uncertain significance (1 of 4 stars; one submission).

Conditions:
Norman-Roberts syndrome (LIS2). Also called: Lissencephaly 2 (Norman-Roberts type). Identifiers: Orphanet 89844, MedGen C0796089, MONDO:0009760, OMIM 257320.
Familial temporal lobe epilepsy 7. Identifiers: Orphanet 101046, MedGen C4225327, MONDO:0014639, OMIM 616436.

Submission:

Labcorp Genetics (formerly Invitae), Labcorp
Classification: Uncertain significance for Familial temporal lobe epilepsy 7; Norman-Roberts syndrome. Last evaluated: 2019-05-19. Review status: criteria provided, single submitter. Criteria: Invitae Variant Classification Sherloc (09022015). Collection method: clinical testing. Allele origin: germline.
Comment: Algorithms developed to predict the effect of sequence changes on RNA splicing suggest that this variant may create or strengthen a splice site, but this prediction has not been confirmed by published transcriptional studies. In summary, the available evidence is currently insufficient to determine the role of this variant in disease. Therefore, it has been classified as a Variant of Uncertain Significance. Algorithms developed to predict the effect of missense changes on protein structure and function are either unavailable or do not agree on the potential impact of this missense change (SIFT: "Deleterious"; PolyPhen-2: "Probably Damaging"; Align-GVGD: "Class C0"). This sequence change replaces aspartic acid with glycine at codon 1959 of the RELN protein (p.Asp1959Gly). The aspartic acid residue is highly conserved and there is a moderate physicochemical difference between aspartic acid and glycine. This variant is not present in population databases (ExAC no frequency). This variant has not been reported in the literature in individuals with RELN-related conditions.